The following is an entry in ClinVar:

NM_002181.4(IHH):c.386_400del (p.Val129_Trp133del)

Gene: IHH (Indian hedgehog signaling molecule; minus strand). Cytogenetic location: 2q35.
Variant type: Deletion.
Coding change: c.386_400del on transcript NM_002181.4 (MANE Select); coding-DNA positions 386 to 400, 15 bases deleted (TGACCGAGGGCTGGG).
Protein change: p.Val129_Trp133del.
Molecular consequence: inframe deletion.
Genome position (GRCh38, 1-based): chr2:219,057,610-219,057,624, CCCAGCCCTCGGTCA deleted on the plus strand (TGACCGAGGGCTGGG on the coding strand, the reverse complement: IHH is on the minus strand); deleting any 15 consecutive bases within chr2:219,057,610-219,057,627 gives the same sequence; the c. name uses the placement nearest the transcript's 3' end. VCF-style (leftmost placement, unchanged base first): chr2-219057609-TCCCAGCCCTCGGTCA-T. GRCh37 (hg19) VCF-style: chr2-219922331-TCCCAGCCCTCGGTCA-T.
Identifiers: ClinVar variation 5006218 (VCV005006218.2).

ClinVar aggregate classification (germline): Uncertain significance (1 of 4 stars; one submission).

Conditions:
Acrocapitofemoral dysplasia (ACFD). Identifiers: Orphanet 63446, MedGen C1843096, MONDO:0011907, OMIM 607778.
Brachydactyly type A1. Also called: FARABEE-TYPE BRACHYDACTYLY; SHORT STATURE WITH NONSPECIFIC SKELETAL ABNORMALITIES 2. Identifiers: Orphanet 93388, MedGen C1862151, MONDO:0007215, OMIM 112500, HP:0009371.

Submission:

Juno Genomics, Hangzhou Juno Genomics, Inc
Classification: Uncertain significance for Acrocapitofemoral dysplasia; Brachydactyly type A1. Review status: criteria provided, single submitter. Criteria: ACMG Guidelines, 2015. Collection method: clinical testing. Allele origin: germline.
Comment: Absent from controls (or at extremely low frequency if recessive) in Genome Aggregation Database.;Protein length changes due to in-frame deletions/insertions in a non-repeat region or stop-loss variants.